The following is an entry in ClinVar:

NM_004863.3(SPTLC2):c.-181C>G

Gene: SPTLC2 (serine palmitoyltransferase long chain base subunit 2; minus strand). Cytogenetic location: 14q24.3.
Variant type: single nucleotide variant.
Coding change: c.-181C>G on transcript NM_004863.3; 181 bases upstream of the start codon, C replaced by G.
Genome position (GRCh38, 1-based): chr14:77,616,760, G>C on the plus strand (C>G on the coding strand, the complement: SPTLC2 is on the minus strand). VCF-style: chr14-77616760-G-C. GRCh37 (hg19) VCF-style: chr14-78083103-G-C.
Identifiers: ClinVar variation 314687 (VCV000314687.8), dbSNP rs538010560, ClinGen allele CA10645119.

ClinVar aggregate classification (germline): Benign. Review status: criteria provided, multiple submitters, no conflicts (2 of 4 stars). 2 submissions from 2 submitters: Benign (2). Last evaluated 2018-01-12.

Conditions:
Neuropathy, hereditary sensory and autonomic, type 1C. Also called: HSAN IC; HSN IC. Identifiers: Orphanet 36386, MedGen C3150896, MONDO:0013337, OMIM 613640.

Allele frequency attached by ClinVar (database versions not stated): TOPMed 0.00154; gnomAD 0.00089; 1000 Genomes Project 30x 0.00125; 1000 Genomes Project 0.00120.

Submissions (2):

Illumina Laboratory Services, Illumina
Classification: Benign for Neuropathy, hereditary sensory and autonomic, type 1C. Last evaluated: 2018-01-12. Review status: criteria provided, single submitter. Criteria: ICSL Variant Classification Criteria 13 December 2019. Collection method: clinical testing. Allele origin: germline.
Comment: This variant was observed in the ICSL laboratory as part of a predisposition screen in an ostensibly healthy population. It had not been previously curated by ICSL or reported in the Human Gene Mutation Database (HGMD: prior to June 1st, 2018), and was therefore a candidate for classification through an automated scoring system. Utilizing variant allele frequency, disease prevalence and penetrance estimates, and inheritance mode, an automated score was calculated to assess if this variant is too frequent to cause the disease. Based on the score and internal cut-off values, a variant classified as benign is not then subjected to further curation. The score for this variant resulted in a classification of benign for this disease.

Breakthrough Genomics
Classification: Benign. Review status: criteria provided, single submitter. Criteria: ACMG Guidelines, 2015. Collection method: not provided. Allele origin: germline. Inheritance: Autosomal dominant inheritance. Affected: yes.